The following is an entry in ClinVar:

ClinVar aggregate classification (germline): Uncertain significance (1 of 4 stars; one submission).

Conditions:
Macrocephaly, acquired, with impaired intellectual development. Also called: MACROCEPHALY, ACQUIRED, WITH MENTAL RETARDATION. Identifiers: MedGen C4748993, MONDO:0032658, OMIM 618286.

Submission:

Victorian Clinical Genetics Services, Murdoch Childrens Research Institute
Classification: Uncertain significance for Macrocephaly, acquired, with impaired intellectual development. Last evaluated: 2022-06-24. Review status: criteria provided, single submitter. Criteria: ACMG Guidelines, 2015. Collection method: clinical testing. Allele origin: germline. Inheritance: Autosomal dominant inheritance. Affected: yes.
Comment: Based on the classification scheme VCGS_Germline_v1.3.4, this variant is classified as VUS-3A. Following criteria are met: 0102 - Loss of function is a known mechanism of disease in this gene and is associated with acquired macrocephaly with impaired intellectual development. (I) 0107 - This gene is associated with autosomal dominant disease. (I) 0200 - Variant is predicted to result in a missense amino acid change from apartic acid to asparagine. (I) 0251 - This variant is heterozygous. (I) 0301 - Variant is absent from gnomAD (both v2 and v3). (SP) 0502 - Missense variant with conflicting in silico predictions or uninformative conservation. (I) 0600 - Variant is located in the annotated MH1 domain (NCBI, PDB). (I) 0705 - No comparable missense variants have previous evidence for pathogenicity. (I) 0807 - This variant has no previous evidence of pathogenicity. (I) 0903 - This variant has limited evidence for segregation with disease. It has been observed in two similarly affected family members and is absent in an unaffected family member. (SP) 1007 - No published functional evidence has been identified for this variant. (I) Legend: (SP) - Supporting pathogenic, (I) - Information, (SB) - Supporting benign

NM_001190737.2(NFIB):c.328G>A (p.Asp110Asn)

Gene: NFIB (nuclear factor I B; minus strand). Cytogenetic location: 9p22.3.
Variant type: single nucleotide variant.
Coding change: c.328G>A on transcript NM_001190737.2 (MANE Select); coding-DNA position 328, G replaced by A.
Protein change: p.Asp110Asn; replaces aspartic acid 110 with asparagine.
Molecular consequence: missense variant.
Genome position (GRCh38, 1-based): chr9:14,307,223, C>T on the plus strand (G>A on the coding strand, the complement: NFIB is on the minus strand). VCF-style: chr9-14307223-C-T. GRCh37 (hg19) VCF-style: chr9-14307222-C-T.
Other names: c.406G>A, p.Asp136Asn (NM_001190738.2); c.394G>A, p.Asp132Asn (NM_001369458.1, NM_001369459.1, NM_001369462.1 and 1 more transcripts); c.316G>A, p.Asp106Asn (NM_001369460.1, NM_001369463.1, NM_001369466.1 and 4 more transcripts); c.328G>A, p.Asp110Asn (NM_001369461.1, NM_001369464.1, NM_001369471.1 and 4 more transcripts); c.301G>A, p.Asp101Asn (NM_001369465.1, NM_001369467.1, NM_001369476.1); c.184G>A, p.Asp62Asn (NM_001369469.1); c.313G>A, p.Asp105Asn (NM_001369474.1); short protein forms D101N, D105N, D106N, D110N, D132N, D136N, D62N.
Identifiers: ClinVar variation 1805027 (VCV001805027.1), dbSNP rs2538992582, ClinGen allele CA373090344.